The following is an entry in ClinVar:

ClinVar aggregate classification (germline): Pathogenic/Likely pathogenic. Review status: criteria provided, multiple submitters, no conflicts (2 of 4 stars). 7 submissions from 7 submitters: Pathogenic (6); Likely pathogenic (1). Last evaluated 2025-06-29.

Conditions:
STING-associated vasculopathy with onset in infancy. Also called: Sting-associated vasculopathy, infantile-onset. Identifiers: Orphanet 425120, MedGen C4014722, MONDO:0014405, OMIM 615934.
TMEM173-related disorders.

Allele frequency attached by ClinVar (database versions not stated): gnomAD exomes below 0.00001; TOPMed below 0.00001.

Submissions (7):

Labcorp Genetics (formerly Invitae), Labcorp
Classification: Pathogenic for STING-associated vasculopathy with onset in infancy. Last evaluated: 2025-06-29. Review status: criteria provided, single submitter. Criteria: Invitae Variant Classification Sherloc (09022015). Collection method: clinical testing. Allele origin: germline.
Comment: This sequence change replaces arginine, which is basic and polar, with glutamine, which is neutral and polar, at codon 281 of the TMEM173 protein (p.Arg281Gln). This variant is not present in population databases (gnomAD no frequency). This missense change has been observed in individual(s) with STING (stimulator of interferon genes)-associated vasculopathy with infantile onset (SAVI) (PMID: 28087229). In at least one individual the variant was observed to be de novo. ClinVar contains an entry for this variant (Variation ID: 568703). Invitae Evidence Modeling of protein sequence and biophysical properties (such as structural, functional, and spatial information, amino acid conservation, physicochemical variation, residue mobility, and thermodynamic stability) indicates that this missense variant is not expected to disrupt TMEM173 protein function with a negative predictive value of 80%. Experimental studies have shown that this missense change affects TMEM173 function (PMID: 28087229). For these reasons, this variant has been classified as Pathogenic.

Human Genome Sequencing Center Clinical Lab, Baylor College of Medicine
Classification: Pathogenic for STING-associated vasculopathy, infantile-onset. Last evaluated: 2024-10-11. Review status: criteria provided, single submitter. Criteria: ACMG Guidelines, 2015. Collection method: clinical testing. Allele origin: paternal. Affected: yes.
Comment: This variant in located in exon 7 of TMEM173 gene, which encodes for the stimulator of interferon response cGAMP interactor 1 (STING1) protein that mediates production of beta-interferon. This variant has been identified in at least five unrelated individuals affected with STING-associated vasculopathy and found to segregate with disease in eight affected individuals including the probands from three families affected with interstitial lung disease or STING-associated vasculopathy with onset in infancy (SAVI) (PMID: 30783801, 33014937, 33162473, 33569478, 31144250, 38178067). This variant has also been reported in de novo status in an individual affected SAVI (PMID: 28087229). Functional studies revealed that this variant causes constitutive activation of type I interferon signaling through TBK1 (TANK-binding kinase), consistent with a gain-of-function mechanism (PMID: 28087229, 30038614, 33569478). This variant is located within the protein motif (amino acids 281-297) required for trafficking-mediated STING degradation (PMID: 29241549). An alternative missense variant affecting the same amino acid, p.Arg281Trp, has also been reported in homozygosity in multiple individuals from nine unrelated families affected with recessive form of SAVI (PMID: 32673614, 33488593, 36275728). This variant is rare (3/1614208 chromosomes, 0.0001858%) in the general population database, gnomAD and interpreted as likely pathogenic/pathogenic by multiple submitters in the ClinVar database (VCV000568703.17). Therefore, the c.842G>A (p.Arg281Gln) variant in TMEM173 gene is classified as pathogenic.

Blueprint Genetics
Classification: Pathogenic for TMEM173-related disorders. Last evaluated: 2024-04-24. Review status: criteria provided, single submitter. Criteria: ACMG Guidelines, 2015. Collection method: clinical testing. Allele origin: germline. Affected: yes. Observed: 2 variant alleles.

GeneDx
Classification: Pathogenic. Last evaluated: 2024-04-24. Review status: criteria provided, single submitter. Criteria: GeneDx Variant Classification Process June 2021. Collection method: clinical testing. Allele origin: germline. Affected: yes.
Comment: Published functional studies demonstrate that this variant results in increased IFN-B activity and NF-kB activation (PMID: 28087229, 30038614); Not observed at significant frequency in large population cohorts (gnomAD); In silico analysis indicates that this missense variant does not alter protein structure/function; This variant is associated with the following publications: (PMID: 33162473, 33217613, 31230712, 30038614, 31144250, 32673614, 29870684, 29800647, 33014937, 33569478, 34134972, 27943079, 36648577, 36275728, 28087229, 30783801)

Center for Genomics, Ann and Robert H. Lurie Children's Hospital of Chicago
Classification: Pathogenic for STING-associated vasculopathy with onset in infancy. Last evaluated: 2023-06-28. Review status: criteria provided, single submitter. Criteria: ACMG Guidelines, 2015. Collection method: clinical testing. Allele origin: germline. Inheritance: Autosomal dominant inheritance. Observed: 1 heterozygote.
Comment: This variant has been reported in the literature in at least five unrelated individuals with various features including interstitial lung disease, polyarthritis, arthralgia, elevated rheumatoid factor, and others (Melki 2017 PMID: 28087229; Karacan 2019 PMID: 30783801; Li 2020 PMID: 33014937; Nishida 2021 PMID: 33162473; Wang 2021 PMID: 33569478). The variant was shown to be de novo in two of the cases and was found to segregate with disease in at least four affected family members (Melki 2017 PMID: 28087229; Li 2020 PMID: 33014937; Wang 2021 PMID: 33569478). It is absent from gnomAD but has been submitted to ClinVar by multiple laboratories as pathogenic or likely pathogenic (Variation ID: 568703). In vitro functional studies have suggested that this variant results in constitutive activation of type I interferon signaling, consistent with a gain of function effect (Melki 2017 PMID: 28087229; Lin 2020 PMID: 32673614). Evolutionary conservation and computational prediction tools do not support a predicted pathogenic effect. However, the overwhelming evidence associated with this variant's clinical relevance is sufficient for this variant to be classified as pathogenic.

HudsonAlpha Institute for Biotechnology
Classification: Likely pathogenic for STING-associated vasculopathy with onset in infancy. Last evaluated: 2021-08-10. Review status: criteria provided, single submitter. Criteria: ACMG Guidelines, 2015. Collection method: research. Allele origin: maternal. Affected: yes. Observed: 1 variant allele. Study: HudsonAlpha-AGHI-WGS.
Comment: ACMG codes:PS3, PS4M, PM2, PP5

Centre for Mendelian Genomics, University Medical Centre Ljubljana
Classification: Pathogenic. Last evaluated: 2019-08-19. Review status: criteria provided, single submitter. Criteria: ACMG Guidelines, 2015. Collection method: clinical testing. Allele origin: unknown. Affected: yes.
Comment: This variant was classified as: Pathogenic. The following ACMG criteria were applied in classifying this variant: PS2,PS3,PM2,PP3,PP5.

Literature cited by the submitters: PubMed 28087229 (cited by Labcorp Genetics (formerly Invitae), Labcorp and Human Genome Sequencing Center Clinical Lab, Baylor College of Medicine); PubMed 30783801 (cited by Human Genome Sequencing Center Clinical Lab, Baylor College of Medicine); PubMed 33014937 (cited by Human Genome Sequencing Center Clinical Lab, Baylor College of Medicine); PubMed 33162473 (cited by Human Genome Sequencing Center Clinical Lab, Baylor College of Medicine); PubMed 33569478 (cited by Human Genome Sequencing Center Clinical Lab, Baylor College of Medicine); PubMed 31144250 (cited by Human Genome Sequencing Center Clinical Lab, Baylor College of Medicine); PubMed 38178067 (cited by Human Genome Sequencing Center Clinical Lab, Baylor College of Medicine); PubMed 30038614 (cited by Human Genome Sequencing Center Clinical Lab, Baylor College of Medicine); PubMed 32673614 (cited by Human Genome Sequencing Center Clinical Lab, Baylor College of Medicine); PubMed 33488593 (cited by Human Genome Sequencing Center Clinical Lab, Baylor College of Medicine); PubMed 36275728 (cited by Human Genome Sequencing Center Clinical Lab, Baylor College of Medicine).

NM_198282.4(STING1):c.842G>A (p.Arg281Gln)

Gene: STING1 (stimulator of interferon response cGAMP interactor 1; minus strand). Cytogenetic location: 5q31.2.
Variant type: single nucleotide variant.
Coding change: c.842G>A on transcript NM_198282.4 (MANE Select); coding-DNA position 842, G replaced by A.
Protein change: p.Arg281Gln; replaces arginine 281 with glutamine.
Molecular consequence: missense variant. On other transcripts: intron variant (1).
Genome position (GRCh38, 1-based): chr5:139,477,433, C>T on the plus strand (G>A on the coding strand, the complement: STING1 is on the minus strand). VCF-style: chr5-139477433-C-T. GRCh37 (hg19) VCF-style: chr5-138857018-C-T.
Other names: c.485G>A, p.Arg162Gln (NM_001367258.1); c.759+837G>A (NM_001301738.2); c.842G>A, p.Arg281Gln (LRG_1308t1); short protein forms R281Q, R162Q.
Identifiers: ClinVar variation 568703 (VCV000568703.19), dbSNP rs1561482476, ClinGen allele CA361479624.
Genomic context (GRCh38, chr5:139,477,433, plus strand): 5'-TCTGCCAGGATGTCCTCAAGTGTCCGGCAGAAGAGTTTGGCCTGCTCAAGCCTATCCTCC[C>T]GGCTAAAGCCAGCTTGACTGTATTGTGACATGGCAAACAAAGTCTGCAAGGGGGTGGCGT-3'
Protein context (NP_938023.1, residues 271-291): MSQYSQAGFS[Arg281Gln]EDRLEQAKLF